The following is an entry in ClinVar:

NM_006852.6(TLK2):c.2112G>A (p.Lys704=)

Gene: TLK2 (tousled like kinase 2; plus strand). Cytogenetic location: 17q23.2.
Variant type: single nucleotide variant.
Coding change: c.2112G>A on transcript NM_006852.6 (MANE Select); coding-DNA position 2112, G replaced by A.
Protein change: p.Lys704=; no amino-acid change (lysine 704 retained).
Molecular consequence: synonymous variant.
Genome position (GRCh38, 1-based): chr17:62,612,424, G>A. VCF-style: chr17-62612424-G-A. GRCh37 (hg19) VCF-style: chr17-60689785-G-A.
Other names: c.2178G>A, p.Lys726= (NM_001284333.3); c.2016G>A, p.Lys672= (NM_001284363.1, NM_001375272.1); c.1665G>A, p.Lys555= (NM_001330418.3, NM_001375273.1); c.2154G>A, p.Lys718= (NM_001375269.1); c.2112G>A, p.Lys704= (NM_001375270.1, NM_001375271.1); c.1827G>A, p.Lys609= (NM_001411074.1).
Identifiers: ClinVar variation 2648030 (VCV002648030.24), dbSNP rs771204509, ClinGen allele CA8695126.

ClinVar aggregate classification (germline): Likely benign (1 of 4 stars; one submission).

Allele frequency attached by ClinVar (database versions not stated): gnomAD 0.00001; gnomAD exomes 0.00002; ExAC 0.00004.
gnomAD v4.1: 37 of 1,613,902 alleles (0.0023%); highest among the groups gnomAD compares: South Asian, 0.038%; no homozygotes.

Submission:

CeGaT Center for Human Genetics Tuebingen
Classification: Likely benign. Last evaluated: 2023-05-01. Review status: criteria provided, single submitter. Criteria: CeGaT Center For Human Genetics Tuebingen Variant Classification Criteria Version 2. Collection method: clinical testing. Allele origin: germline. Affected: yes. Observed: 1 variant allele.
Comment: TLK2: BP4, BP7